The following is an entry in ClinVar:

NM_001007527.2(LMBRD2):c.1948G>C (p.Glu650Gln)

Gene: LMBRD2 (LMBR1 domain containing 2; minus strand). Cytogenetic location: 5p13.2.
Variant type: single nucleotide variant.
Coding change: c.1948G>C on transcript NM_001007527.2 (MANE Select); coding-DNA position 1948, G replaced by C.
Protein change: p.Glu650Gln; replaces glutamic acid 650 with glutamine.
Molecular consequence: missense variant.
Genome position (GRCh38, 1-based): chr5:36,105,147, C>G on the plus strand (G>C on the coding strand, the complement: LMBRD2 is on the minus strand). VCF-style: chr5-36105147-C-G. GRCh37 (hg19) VCF-style: chr5-36105249-C-G.
Other names: short protein forms E650Q.
Identifiers: ClinVar variation 1526174 (VCV001526174.1), dbSNP rs2111837184, ClinGen allele CA359440107.

ClinVar aggregate classification (germline): Uncertain significance (1 of 4 stars; one submission).

Conditions:
LMBRD2-related disorder.

Submission:

3billion
Classification: Uncertain significance for LMBRD2-related disorder. Last evaluated: 2022-03-22. Review status: criteria provided, single submitter. Criteria: ACMG Guidelines, 2015. Collection method: clinical testing. Allele origin: germline. Affected: yes. Observed: 1 heterozygote.
Comment: The variant is not observed in the gnomAD v2.1.1 dataset. In silico tool predictions suggest damaging effect of the variant on gene or gene product (3CNET: 0.785>=0.75). Therefore, this variant is classified as uncertain significance according to the recommendation of ACMG/AMP guideline.